The following is an entry in ClinVar:

NM_004247.4(EFTUD2):c.2698_2701del (p.Val900fs)

Gene: EFTUD2 (elongation factor Tu GTP binding domain containing 2; minus strand). Cytogenetic location: 17q21.31.
Variant type: Microsatellite.
Coding change: c.2698_2701del on transcript NM_004247.4 (MANE Select); coding-DNA positions 2698 to 2701, 4 bases deleted (GTCT; older notation c.2698_2701delGTCT).
Protein change: p.Val900fs; shifts the reading frame from valine 900.
Molecular consequence: frameshift variant.
Genome position (GRCh38, 1-based): chr17:44,852,423-44,852,426, AGAC deleted on the plus strand (GTCT on the coding strand, the reverse complement: EFTUD2 is on the minus strand); deleting any 4 consecutive bases within chr17:44,852,423-44,852,433 gives the same sequence; the c. name uses the placement nearest the transcript's 3' end. VCF-style (leftmost placement, unchanged base first): chr17-44852422-AAGAC-A. GRCh37 (hg19) VCF-style: chr17-42929790-AAGAC-A.
Other names: c.2593_2596del, p.Val865fs (NM_001142605.2); c.2698_2701del, p.Val900fs (NM_001258353.2); c.2668_2671del, p.Val890fs (NM_001258354.2); c.2593_2596delGTCT (NM_001142605.2); short protein forms V900fs, V865fs, V890fs.
Identifiers: ClinVar variation 265116 (VCV000265116.4), dbSNP rs886039349, ClinGen allele CA10588658.

ClinVar aggregate classification (germline): Pathogenic. Review status: criteria provided, multiple submitters, no conflicts (2 of 4 stars). 3 submissions from 3 submitters: Pathogenic (3). Last evaluated 2021-03-18.

Conditions:
Mandibulofacial dysostosis-microcephaly syndrome (MFDGA). Also called: Growth and mental retardation, mandibulofacial dysostosis, microcephaly, and cleft palate; Mandibulofacial dysostosis, Guion-Almeida type. Identifiers: Orphanet 79113, MedGen C1864652, MONDO:0012516, OMIM 610536.
Hereditary syndromic Pierre Robin syndrome. Also called: Genetic syndromic Pierre Robin syndrome. Identifiers: Orphanet 363294, MedGen C5680982, MONDO:0018187.

Submissions (3):

Genetics Department, Polish Mother's Memorial Hospital Research Institute
Classification: Pathogenic for Hereditary syndromic Pierre Robin syndrome. Last evaluated: 2021-03-18. Review status: criteria provided, single submitter. Criteria: ACMG Guidelines, 2015. Collection method: research. Allele origin: de novo. Affected: yes. Observed: 1 variant allele.

Baylor Genetics
Classification: Pathogenic for Mandibulofacial dysostosis-microcephaly syndrome. Last evaluated: 2019-01-04. Review status: criteria provided, single submitter. Criteria: ACMG Guidelines, 2015. Collection method: clinical testing. Allele origin: de novo. Affected: yes.
Comment: This variant was determined to be pathogenic according to ACMG Guidelines, 2015 [PMID:25741868]. This variant has been previously reported as disease-causing [PMID 26507355, 27670155]

GeneDx
Classification: Pathogenic. Last evaluated: 2018-05-30. Review status: criteria provided, single submitter. Criteria: GeneDx Variant Classification (06012015). Collection method: clinical testing. Allele origin: germline. Affected: yes.
Comment: The c.2698_2701delGTCT variant in the EFTUD2 gene has not been reported previously as a pathogenic variant nor as a benign polymorphism, to our knowledge. The c.2698_2701delGTCT variant causes a frameshift starting with codon Valine 900, changes this amino acid to a Serine residue, and creates a premature Stop codon at position 34 of the new reading frame, denoted p.Val900SerfsX34. This variant is predicted to cause loss of normal protein function through protein truncation. The c.2698_2701delGTCT variant was not observed in approximately 6500 individuals of European and African American ancestry in the NHLBI Exome Sequencing Project, indicating it is not a common benign variant in these populations. We interpret c.2698_2701delGTCT as a pathogenic variant.

Literature cited by the submitters: PubMed 26507355 (cited by Baylor Genetics); PubMed 27670155 (cited by Baylor Genetics).